The following is an entry in ClinVar:

ClinVar aggregate classification (germline): Uncertain significance. Review status: criteria provided, multiple submitters, no conflicts (2 of 4 stars). 2 submissions from 2 submitters: Uncertain significance (2). Last evaluated 2024-05-13.

Conditions:
Fanconi anemia (FA). Also called: Fanconi's anemia. Identifiers: Orphanet 84, MedGen C0015625, MeSH D005199, MONDO:0019391.

Allele frequency attached by ClinVar (database versions not stated): TOPMed below 0.00001; ExAC 0.00003; gnomAD exomes 0.00003 and 0.00004; gnomAD 0.00004 and 0.00005; 1000 Genomes Project 30x 0.00016; 1000 Genomes Project 0.00020.
gnomAD v4.1: 49 of 1,613,600 alleles (0.003%); highest among the groups gnomAD compares: Middle Eastern, 0.033%; no homozygotes.

Submissions (2):

Labcorp Genetics (formerly Invitae), Labcorp
Classification: Uncertain significance for Fanconi anemia. Last evaluated: 2024-05-13. Review status: criteria provided, single submitter. Criteria: Invitae Variant Classification Sherloc (09022015). Collection method: clinical testing. Allele origin: germline.
Comment: This sequence change replaces lysine, which is basic and polar, with arginine, which is basic and polar, at codon 770 of the FANCD2 protein (p.Lys770Arg). This variant is present in population databases (rs533245636, gnomAD 0.01%). This variant has not been reported in the literature in individuals affected with FANCD2-related conditions. ClinVar contains an entry for this variant (Variation ID: 937375). Advanced modeling of protein sequence and biophysical properties (such as structural, functional, and spatial information, amino acid conservation, physicochemical variation, residue mobility, and thermodynamic stability) performed at Invitae indicates that this missense variant is not expected to disrupt FANCD2 protein function with a negative predictive value of 80%. Algorithms developed to predict the effect of sequence changes on RNA splicing suggest that this variant may disrupt the consensus splice site. In summary, the available evidence is currently insufficient to determine the role of this variant in disease. Therefore, it has been classified as a Variant of Uncertain Significance.

Genetic Services Laboratory, University of Chicago
Classification: Uncertain significance. Last evaluated: 2018-04-13. Review status: criteria provided, single submitter. Criteria: ACMG Guidelines, 2015. Collection method: clinical testing. Allele origin: germline. Affected: no.

NM_001018115.3(FANCD2):c.2309A>G (p.Lys770Arg)

Genes: FANCD2 (FA complementation group D2; plus strand), LOC107303338 (3p25 FANCD2 Alu-mediated recombination region; plus strand). Cytogenetic location: 3p25.3.
Variant type: single nucleotide variant.
Coding change: c.2309A>G on transcript NM_001018115.3 (MANE Select); coding-DNA position 2309, A replaced by G.
Protein change: p.Lys770Arg; replaces lysine 770 with arginine.
Molecular consequence: missense variant.
Genome position (GRCh38, 1-based): chr3:10,065,903, A>G. VCF-style: chr3-10065903-A-G. GRCh37 (hg19) VCF-style: chr3-10107587-A-G.
Other names: c.2309A>G, p.Lys770Arg (NM_001319984.2, NM_001374254.1, NM_033084.6); c.2198A>G, p.Lys733Arg (NM_001374253.1); short protein forms K733R, K770R.
Identifiers: ClinVar variation 937375 (VCV000937375.11), dbSNP rs533245636, ClinGen allele CA2250036.